The following is an entry in ClinVar:

ClinVar aggregate classification (germline): Benign/Likely benign. Review status: criteria provided, multiple submitters, no conflicts (2 of 4 stars). 8 submissions from 8 submitters: Benign (6); Likely benign (1). 1 of the submissions does not count toward it. Last evaluated 2026-02-04.

Conditions:
Meckel syndrome, type 11 (MKS11). Identifiers: Orphanet 564, MedGen C3809352, MONDO:0014164, OMIM 615397.
Joubert syndrome 20 (JBTS20). Identifiers: Orphanet 475, MedGen C3554235, MONDO:0013994, OMIM 614970.

Allele frequency attached by ClinVar (database versions not stated): ESP Exome Variant Server 0.04373; gnomAD 0.08287 and 0.09927; gnomAD exomes 0.09607 and 0.18434; TOPMed 0.11566; ExAC 0.17402; 1000 Genomes Project 30x 0.25937; 1000 Genomes Project 0.27017.
gnomAD v4.1: 156,757 of 1,613,238 alleles (9.7%); highest among the groups gnomAD compares: East Asian, 74%; 23,591 homozygotes.

Submissions (8):

Labcorp Genetics (formerly Invitae), Labcorp
Classification: Benign for Joubert syndrome 20; Meckel syndrome, type 11. Last evaluated: 2026-02-04. Review status: criteria provided, single submitter. Criteria: Invitae Variant Classification Sherloc (09022015). Collection method: clinical testing. Allele origin: germline.

Blueprint Genetics
Classification: Likely benign. Last evaluated: 2024-11-28. Review status: criteria provided, single submitter. Criteria: ACMG Guidelines, 2015. Collection method: clinical testing. Allele origin: germline.

Mayo Clinic Laboratories, Mayo Clinic
Classification: Benign. Last evaluated: 2022-03-09. Review status: criteria provided, single submitter. Criteria: ACMG Guidelines, 2015. Collection method: clinical testing. Allele origin: germline. Observed: 15 variant alleles.

GeneDx
Classification: Benign. Last evaluated: 2016-02-02. Review status: criteria provided, single submitter. Criteria: GeneDx Variant Classification (06012015). Collection method: clinical testing. Allele origin: germline. Affected: yes.
Comment: This variant is considered likely benign or benign based on one or more of the following criteria: it is a conservative change, it occurs at a poorly conserved position in the protein, it is predicted to be benign by multiple in silico algorithms, and/or has population frequency not consistent with disease.

Eurofins Ntd Llc (ga)
Classification: Benign. Last evaluated: 2015-05-28. Review status: criteria provided, single submitter. Criteria: EGL Classification Definitions 2015. Collection method: clinical testing. Allele origin: germline. Observed: 1 variant allele, 1 heterozygote.

Breakthrough Genomics
Classification: Benign. Review status: criteria provided, single submitter. Criteria: ACMG Guidelines, 2015. Collection method: not provided. Allele origin: germline. Inheritance: Autosomal recessive inheritance. Affected: yes.

PreventionGenetics, part of Exact Sciences
Classification: Benign. Review status: criteria provided, single submitter. Criteria: ACMG Guidelines, 2015. Collection method: clinical testing. Allele origin: germline.

Genetic Services Laboratory, University of Chicago
Classification: Likely benign for AllHighlyPenetrant. Review status: no assertion criteria provided. Collection method: clinical testing. Allele origin: germline. Inheritance: Autosomal recessive inheritance. Not counted in ClinVar's aggregate classification.
Comment: Likely benign based on allele frequency in 1000 Genomes Project or ESP global frequency and its presence in a patient with a rare or unrelated disease phenotype. NOT Sanger confirmed.

NM_001077418.3(TMEM231):c.813G>A (p.Val271=)

Gene: TMEM231 (transmembrane protein 231; minus strand). Cytogenetic location: 16q23.1.
Variant type: single nucleotide variant.
Coding change: c.813G>A on transcript NM_001077418.3 (MANE Select); coding-DNA position 813, G replaced by A.
Protein change: p.Val271=; no amino-acid change (valine 271 retained).
Molecular consequence: synonymous variant. On other transcripts: non-coding transcript variant (1).
Genome position (GRCh38, 1-based): chr16:75,540,132, C>T on the plus strand (G>A on the coding strand, the complement: TMEM231 is on the minus strand). VCF-style: chr16-75540132-C-T. GRCh37 (hg19) VCF-style: chr16-75574030-C-T.
Other names: p.Val324=; c.972G>A, p.Val324= (NM_001077416.2).
Identifiers: ClinVar variation 130591 (VCV000130591.22), dbSNP rs2242406, ClinGen allele CA155722.